The following is an entry in ClinVar:

NM_000352.6(ABCC8):c.106dup (p.His36fs)

Gene: ABCC8 (ATP binding cassette subfamily C member 8; minus strand). Cytogenetic location: 11p15.1.
Variant type: Duplication.
Coding change: c.106dup on transcript NM_000352.6 (MANE Select); coding-DNA position 106, one base duplicated (C; older notation c.106dupC).
Protein change: p.His36fs; shifts the reading frame from histidine 36.
Molecular consequence: frameshift variant. On other transcripts: non-coding transcript variant (1).
Genome position (GRCh38, 1-based): chr11:17,476,671, G duplicated on the plus strand (C on the coding strand, the reverse complement: ABCC8 is on the minus strand). VCF-style (leftmost placement, unchanged base first): chr11-17476670-T-TG. GRCh37 (hg19) VCF-style: chr11-17498217-T-TG.
Other names: c.106dup, p.His36fs (NM_001287174.3, NM_001351295.2, NM_001351296.2 and 1 more transcripts); short protein forms H36fs.
Identifiers: ClinVar variation 5015673 (VCV005015673.1).

ClinVar aggregate classification (germline): Pathogenic (1 of 4 stars; one submission).

Conditions:
Hyperinsulinemic hypoglycemia, familial, 1 (HHF1). Also called: HYPERINSULINISM, FAMILIAL, WITH PANCREATIC NESIDIOBLASTOSIS; HYPOGLYCEMIA, HYPERINSULINEMIC, OF INFANCY; NESIDIOBLASTOSIS OF PANCREAS; Persistent Hyperinsulinemia Hypoglycemia of Infancy; Persistent hyperinsulinemic hypoglycemia of infancy. Identifiers: Orphanet 276575, Orphanet 276598, MedGen C2931832, MONDO:0009734, OMIM 256450.

Submission:

Myriad Genetics, Inc.
Classification: Pathogenic for Hyperinsulinemic hypoglycemia, familial, 1. Last evaluated: 2026-03-12. Review status: criteria provided, single submitter. Criteria: Myriad Autosomal Dominant, Autosomal Recessive and X-Linked Classification Criteria (2023). Collection method: clinical testing. Allele origin: unknown.
Comment: NM_000352.3(ABCC8):c.106dupC(H36Pfs*53) is expected to be pathogenic in the context of familial hyperinsulinism, ABCC8-related. This variant is predicted to lead to an abnormal or absent protein product due to the creation of a premature termination codon in ABCC8, a gene where loss-of-function variants are known to be pathogenic. Please note: this variant was assessed in the context of healthy population screening.